The following is an entry in ClinVar:

NM_001105206.3(LAMA4):c.3421_3424del (p.Ile1141fs)

Gene: LAMA4 (laminin subunit alpha 4; minus strand). Cytogenetic location: 6q21.
Variant type: Deletion.
Coding change: c.3421_3424del on transcript NM_001105206.3 (MANE Select); coding-DNA positions 3421 to 3424, 4 bases deleted (ATCA; older notation c.3421_3424delATCA).
Protein change: p.Ile1141fs; shifts the reading frame from isoleucine 1141.
Molecular consequence: frameshift variant.
Genome position (GRCh38, 1-based): chr6:112,134,600-112,134,603, TGAT deleted on the plus strand (ATCA on the coding strand, the reverse complement: LAMA4 is on the minus strand); deleting any 4 consecutive bases within chr6:112,134,600-112,134,606 gives the same sequence; the c. name uses the placement nearest the transcript's 3' end. VCF-style (leftmost placement, unchanged base first): chr6-112134599-ATGAT-A. GRCh37 (hg19) VCF-style: chr6-112455801-ATGAT-A.
Other names: c.3400_3403delATCA (NM_002290.3); c.3400_3403del, p.Ile1134fs (NM_001105207.3, NM_002290.5); short protein forms I1134fs, I1141fs.
Identifiers: ClinVar variation 4614445 (VCV004614445.1).

ClinVar aggregate classification (germline): Uncertain significance (1 of 4 stars; one submission).

Conditions:
Cardiovascular phenotype. Identifiers: MedGen CN230736.

Submission:

Ambry Genetics
Classification: Uncertain significance for Cardiovascular phenotype. Last evaluated: 2025-11-04. Review status: criteria provided, single submitter. Criteria: Ambry Variant Classification Scheme 2023. Collection method: clinical testing. Allele origin: germline.
Comment: The c.3400_3403delATCA variant, located in coding exon 25 of the LAMA4 gene, results from a deletion of 4 nucleotides at nucleotide positions 3400 to 3403, causing a translational frameshift with a predicted alternate stop codon (p.I1134Ffs*8). This alteration is expected to result in protein truncation or nonsense-mediated mRNA decay. However, loss of function has not been established as a mechanism of disease. Based on the available evidence, the clinical significance of this alteration remains unclear.